The following is an entry in ClinVar:

NM_001164277.2(SLC37A4):c.1098C>T (p.His366=)

Gene: SLC37A4 (solute carrier family 37 member 4; minus strand). Cytogenetic location: 11q23.3.
Variant type: single nucleotide variant.
Coding change: c.1098C>T on transcript NM_001164277.2 (MANE Select); coding-DNA position 1098, C replaced by T.
Protein change: p.His366=; no amino-acid change (histidine 366 retained).
Molecular consequence: synonymous variant.
Genome position (GRCh38, 1-based): chr11:119,025,216, G>A on the plus strand (C>T on the coding strand, the complement: SLC37A4 is on the minus strand). VCF-style: chr11-119025216-G-A. GRCh37 (hg19) VCF-style: chr11-118895926-G-A.
Other names: c.1164C>T, p.His388= (NM_001164278.2); c.879C>T, p.His293= (NM_001164279.2); c.1098C>T, p.His366= (NM_001164280.2, NM_001467.6).
Identifiers: ClinVar variation 512307 (VCV000512307.11), dbSNP rs782587864, ClinGen allele CA6311630.
Genomic context (GRCh38, chr11:119,025,216, plus strand): 5'-GGGGTGAGGGAGAGACTCTAGAAGTTAACACTTACCATTGGCCATGAGTCCCACAATGGC[G>A]TGGGAGGTGCCACACAAGTTGGGAGGGGCACTCTCGTTGGCTATGACTCCAAACAGGGCA-3'
Protein context (NP_001157749.1, residues 356-376): SAPPNLCGTS[His366=]AIVGLMANVG

ClinVar aggregate classification (germline): Likely benign. Review status: criteria provided, multiple submitters, no conflicts (2 of 4 stars). 2 submissions from 2 submitters: Likely benign (2). Last evaluated 2026-01-26.

Conditions:
Glucose-6-phosphate transport defect (GSD1B). Also called: GSD Ib; Glycogen Storage Disease Type Ib. Identifiers: Orphanet 364, Orphanet 79259, MedGen C0268146, MONDO:0009288, OMIM 232220.

Allele frequency attached by ClinVar (database versions not stated): gnomAD 0.00002 and 0.00003; TOPMed 0.00002; ExAC 0.00004; gnomAD exomes 0.00004.

Submissions (2):

Labcorp Genetics (formerly Invitae), Labcorp
Classification: Likely benign for Glucose-6-phosphate transport defect. Last evaluated: 2026-01-26. Review status: criteria provided, single submitter. Criteria: Invitae Variant Classification Sherloc (09022015). Collection method: clinical testing. Allele origin: germline.

GeneDx
Classification: Likely benign. Last evaluated: 2017-10-03. Review status: criteria provided, single submitter. Criteria: GeneDx Variant Classification (06012015). Collection method: clinical testing. Allele origin: germline. Affected: yes.
Comment: This variant is considered likely benign or benign based on one or more of the following criteria: it is a conservative change, it occurs at a poorly conserved position in the protein, it is predicted to be benign by multiple in silico algorithms, and/or has population frequency not consistent with disease.